The following is an entry in ClinVar:

NM_001001957.2(OR2W3):c.391C>A (p.His131Asn)

Gene: OR2W3 (olfactory receptor family 2 subfamily W member 3; plus strand). Cytogenetic location: 1q44.
Variant type: single nucleotide variant.
Coding change: c.391C>A on transcript NM_001001957.2 (MANE Select); coding-DNA position 391, C replaced by A.
Protein change: p.His131Asn; replaces histidine 131 with asparagine.
Molecular consequence: missense variant.
Genome position (GRCh38, 1-based): chr1:247,895,977, C>A. VCF-style: chr1-247895977-C-A. GRCh37 (hg19) VCF-style: chr1-248059279-C-A.
Other names: short protein forms H131N.
Identifiers: ClinVar variation 2064364 (VCV002064364.4), dbSNP rs567625084, ClinGen allele CA1498586.

ClinVar aggregate classification (germline): Uncertain significance (1 of 4 stars; one submission).

Allele frequency attached by ClinVar (database versions not stated): TOPMed 0.00002; gnomAD 0.00003; ExAC 0.00007; 1000 Genomes Project 30x 0.00016; 1000 Genomes Project 0.00020.

Submission:

Labcorp Genetics (formerly Invitae), Labcorp
Classification: Uncertain significance. Last evaluated: 2025-08-04. Review status: criteria provided, single submitter. Criteria: Invitae Variant Classification Sherloc (09022015). Collection method: clinical testing. Allele origin: germline.
Comment: This sequence change replaces histidine, which is basic and polar, with asparagine, which is neutral and polar, at codon 131 of the OR2W3 protein (p.His131Asn). This variant is present in population databases (rs567625084, gnomAD 0.1%), and has an allele count higher than expected for a pathogenic variant. This variant has not been reported in the literature in individuals affected with OR2W3-related conditions. ClinVar contains an entry for this variant (Variation ID: 2064364). An algorithm developed to predict the effect of missense changes on protein structure and function (PolyPhen-2) suggests that this variant is likely to be disruptive. In summary, the available evidence is currently insufficient to determine the role of this variant in disease. Therefore, it has been classified as a Variant of Uncertain Significance.